The following is an entry in ClinVar:

ClinVar aggregate classification (germline): Benign (1 of 4 stars; one submission).

Allele frequency attached by ClinVar (database versions not stated): 1000 Genomes Project 30x 0.00468; 1000 Genomes Project 0.00499; TOPMed 0.00794; gnomAD 0.00892; ESP Exome Variant Server 0.00977; ExAC 0.01184.
gnomAD v4.1: 18,538 of 1,611,846 alleles (1.2%); highest among the groups gnomAD compares: Non-Finnish European, 1.3%; 128 homozygotes.

Submission:

CeGaT Center for Human Genetics Tuebingen
Classification: Benign. Last evaluated: 2026-04-01. Review status: criteria provided, single submitter. Criteria: CeGaT Center For Human Genetics Tuebingen Variant Classification Criteria Version 2. Collection method: clinical testing. Allele origin: germline. Affected: yes. Observed: 6 variant alleles.
Comment: CACNA1I: BS1, BS2

NM_021096.4(CACNA1I):c.5401C>A (p.Leu1801Met)

Gene: CACNA1I (calcium voltage-gated channel subunit alpha1 I; plus strand). Cytogenetic location: 22q13.1.
Variant type: single nucleotide variant.
Coding change: c.5401C>A on transcript NM_021096.4 (MANE Select); coding-DNA position 5401, C replaced by A.
Protein change: p.Leu1801Met; replaces leucine 1801 with methionine.
Molecular consequence: missense variant.
Genome position (GRCh38, 1-based): chr22:39,679,728, C>A. VCF-style: chr22-39679728-C-A. GRCh37 (hg19) VCF-style: chr22-40075733-C-A.
Other names: c.5296C>A, p.Leu1766Met (NM_001003406.2); short protein forms L1766M, L1801M.
Identifiers: ClinVar variation 2653164 (VCV002653164.24), dbSNP rs56656729, ClinGen allele CA10244979.